The following is an entry in ClinVar:

ClinVar aggregate classification (germline): Likely benign (1 of 4 stars; one submission).

Allele frequency attached by ClinVar (database versions not stated): 1000 Genomes Project 0.00200; 1000 Genomes Project 30x 0.00203; gnomAD 0.00266 and 0.00283; TOPMed 0.00294.
gnomAD v4.1: 402 of 152,290 alleles (0.26%); highest among the groups gnomAD compares: African/African-American, 0.91%; 4 homozygotes.

Submission:

GeneDx
Classification: Likely benign. Last evaluated: 2018-06-14. Review status: criteria provided, single submitter. Criteria: GeneDx Variant Classification (06012015). Collection method: clinical testing. Allele origin: germline. Affected: yes.
Comment: This variant is considered likely benign or benign based on one or more of the following criteria: it is a conservative change, it occurs at a poorly conserved position in the protein, it is predicted to be benign by multiple in silico algorithms, and/or has population frequency not consistent with disease.

NM_001042492.3(NF1):c.1260+1334T>C

Gene: NF1 (neurofibromin 1; plus strand). Cytogenetic location: 17q11.2.
Variant type: single nucleotide variant.
Coding change: c.1260+1334T>C on transcript NM_001042492.3 (MANE Select); 1334 bases into the intron after coding-DNA position 1260, T replaced by C.
Molecular consequence: intron variant.
Genome position (GRCh38, 1-based): chr17:31,202,819, T>C. VCF-style: chr17-31202819-T-C. GRCh37 (hg19) VCF-style: chr17-29529837-T-C.
Other names: c.1260+1334T>C (NM_000267.4, NM_001128147.3).
Identifiers: ClinVar variation 561773 (VCV000561773.1), dbSNP rs189252413, ClinGen allele CA289350206.
Genomic context (GRCh38, chr17:31,202,819, plus strand): 5'-TTTAATGAAGATTGTAAATAAGGTATGTTTGTATTAAAAACTTAAAAAAAATCACTGTAC[T>C]TTTGTCAGCGTAATGAGCCAGGGCATTGTACCTTCAAGGTTTACTTTCAAGGCCATTAAA-3'